The following is an entry in ClinVar:

NM_001320752.2(STS):c.7A>T (p.Ile3Phe)

Gene: STS (steroid sulfatase; plus strand). Cytogenetic location: Xp22.31.
Variant type: single nucleotide variant.
Coding change: c.7A>T on transcript NM_001320752.2 (MANE Select); coding-DNA position 7, A replaced by T.
Protein change: p.Ile3Phe; replaces isoleucine 3 with phenylalanine.
Molecular consequence: missense variant.
Genome position (GRCh38, 1-based): chrX:7,253,206, A>T. VCF-style: chrX-7253206-A-T. GRCh37 (hg19) VCF-style: chrX-7171247-A-T.
Other names: c.7A>T, p.Ile3Phe (NM_000351.7, NM_001320753.2, NM_001320754.2); c.43A>T, p.Ile15Phe (NM_001320750.3, NM_001320751.2); short protein forms I15F, I3F.
Identifiers: ClinVar variation 2659916 (VCV002659916.24), dbSNP rs753519141, ClinGen allele CA10341884.
Genomic context (GRCh38, chrX:7,253,206, plus strand): 5'-GTCTCAAGCTGACATCCTTCAGTTCCTTTTTGTGTCCTTGTCCTTTACAGGAAGATGAAG[A>T]TCCCTTTCCTCCTACTGTTCTTTCTGTGGGAAGCCGAGAGCCACGCAGCATCAAGGCCGA-3'
Protein context (NP_001307681.2, residues 1-13): MK[Ile3Phe]PFLLLFFLWE

ClinVar aggregate classification (germline): Benign (1 of 4 stars; one submission).

Allele frequency attached by ClinVar (database versions not stated): TOPMed 0.00003; gnomAD 0.00005; ExAC 0.00029; 1000 Genomes Project 0.00079; 1000 Genomes Project 30x 0.00083.
gnomAD v4.1: 162 of 1,209,220 alleles (0.013%); highest among the groups gnomAD compares: South Asian, 0.26%; no homozygotes.

Submission:

CeGaT Center for Human Genetics Tuebingen
Classification: Benign. Last evaluated: 2022-09-01. Review status: criteria provided, single submitter. Criteria: CeGaT Center For Human Genetics Tuebingen Variant Classification Criteria Version 2. Collection method: clinical testing. Allele origin: germline. Affected: yes. Observed: 1 variant allele.
Comment: STS: BS1, BS2